The following is an entry in ClinVar:

ClinVar aggregate classification (germline): Uncertain significance (1 of 4 stars; one submission).

Submission:

Labcorp Genetics (formerly Invitae), Labcorp
Classification: Uncertain significance. Last evaluated: 2024-05-27. Review status: criteria provided, single submitter. Criteria: Invitae Variant Classification Sherloc (09022015). Collection method: clinical testing. Allele origin: germline.
Comment: This sequence change falls in intron 34 of the POLE gene. It does not directly change the encoded amino acid sequence of the POLE protein. It affects a nucleotide within the consensus splice site. This variant is not present in population databases (gnomAD no frequency). This variant has not been reported in the literature in individuals affected with POLE-related conditions. Variants that disrupt the consensus splice site are a relatively common cause of aberrant splicing (PMID: 17576681, 9536098). Algorithms developed to predict the effect of sequence changes on RNA splicing suggest that this variant is not likely to affect RNA splicing. In summary, the available evidence is currently insufficient to determine the role of this variant in disease. Therefore, it has been classified as a Variant of Uncertain Significance.

Literature cited by the submitters: PubMed 17576681; PubMed 9536098.

NM_006231.4(POLE):c.4444+6G>C

Gene: POLE (DNA polymerase epsilon, catalytic subunit; minus strand). Cytogenetic location: 12q24.33.
Variant type: single nucleotide variant.
Coding change: c.4444+6G>C on transcript NM_006231.4 (MANE Select); 6 bases into the intron after coding-DNA position 4444, G replaced by C.
Molecular consequence: intron variant.
Genome position (GRCh38, 1-based): chr12:132,643,401, C>G on the plus strand (G>C on the coding strand, the complement: POLE is on the minus strand). VCF-style: chr12-132643401-C-G. GRCh37 (hg19) VCF-style: chr12-133219987-C-G.
Identifiers: ClinVar variation 3654759 (VCV003654759.2).